The following is an entry in ClinVar:

ClinVar aggregate classification (germline): Uncertain significance. Review status: criteria provided, multiple submitters, no conflicts (2 of 4 stars). 2 submissions from 2 submitters: Uncertain significance (2). Last evaluated 2025-01-05.

Conditions:
Baller-Gerold syndrome (BGS). Also called: CRANIOSYNOSTOSIS WITH RADIAL DEFECTS. Identifiers: Orphanet 1225, MedGen C0265308, MONDO:0009039, OMIM 218600.
Inborn genetic diseases. Identifiers: MedGen C0950123, MeSH D030342.

Submissions (2):

Ambry Genetics
Classification: Uncertain significance for Inborn genetic diseases. Last evaluated: 2025-01-05. Review status: criteria provided, single submitter. Criteria: Ambry Variant Classification Scheme 2023. Collection method: clinical testing. Allele origin: germline.
Comment: The p.L622V variant (also known as c.1864C>G), located in coding exon 11 of the RECQL4 gene, results from a C to G substitution at nucleotide position 1864. The leucine at codon 622 is replaced by valine, an amino acid with highly similar properties. This amino acid position is conserved. In addition, the in silico prediction for this alteration is inconclusive. Based on the available evidence, the clinical significance of this variant remains unclear.

Labcorp Genetics (formerly Invitae), Labcorp
Classification: Uncertain significance for Baller-Gerold syndrome. Last evaluated: 2024-10-26. Review status: criteria provided, single submitter. Criteria: Invitae Variant Classification Sherloc (09022015). Collection method: clinical testing. Allele origin: germline.
Comment: This sequence change replaces leucine, which is neutral and non-polar, with valine, which is neutral and non-polar, at codon 622 of the RECQL4 protein (p.Leu622Val). This variant is not present in population databases (gnomAD no frequency). This variant has not been reported in the literature in individuals affected with RECQL4-related conditions. ClinVar contains an entry for this variant (Variation ID: 2080943). Invitae Evidence Modeling of protein sequence and biophysical properties (such as structural, functional, and spatial information, amino acid conservation, physicochemical variation, residue mobility, and thermodynamic stability) indicates that this missense variant is expected to disrupt RECQL4 protein function with a positive predictive value of 80%. In summary, the available evidence is currently insufficient to determine the role of this variant in disease. Therefore, it has been classified as a Variant of Uncertain Significance.

NM_004260.4(RECQL4):c.1864C>G (p.Leu622Val)

Gene: RECQL4 (RecQ like helicase 4; minus strand). Cytogenetic location: 8q24.3.
Variant type: single nucleotide variant.
Coding change: c.1864C>G on transcript NM_004260.4 (MANE Select); coding-DNA position 1864, C replaced by G.
Protein change: p.Leu622Val; replaces leucine 622 with valine.
Molecular consequence: missense variant.
Genome position (GRCh38, 1-based): chr8:144,514,203, G>C on the plus strand (C>G on the coding strand, the complement: RECQL4 is on the minus strand). VCF-style: chr8-144514203-G-C. GRCh37 (hg19) VCF-style: chr8-145739587-G-C.
Other names: c.1513C>G, p.Leu505Val (NM_001413029.1); c.727C>G, p.Leu243Val (NM_001413030.1, NM_001413032.1, NM_001413027.1 and 1 more transcripts); c.595C>G, p.Leu199Val (NM_001413031.1); c.1732C>G, p.Leu578Val (NM_001413033.1); c.793C>G, p.Leu265Val (NM_001413034.1, NM_001413035.1, NM_001413038.1 and 6 more transcripts); c.1864C>G, p.Leu622Val (NM_001413036.1, NM_001413018.1, NM_001413019.1); c.661C>G, p.Leu221Val (NM_001413037.1); c.1768C>G, p.Leu590Val (NM_001413017.1, NM_001413020.1); and 5 more; short protein forms L133V, L199V, L505V, L578V, L579V, L612V, L622V, L265V.
Identifiers: ClinVar variation 2080943 (VCV002080943.5), dbSNP rs373717016, ClinGen allele CA372680601.
Genomic context (GRCh38, chr8:144,514,203, plus strand): 5'-GCCCATCCCGGCCCTGGCCGCCCACCCCAGTTCACATATGGCTCACCTTGCAGACGCGCA[G>C]GTAGCAGGGCCGGAAGTTGTGGGACCACTGGGAGAGGCAGTGGGCCTCATCAATGCAGGC-3'
Protein context (NP_004251.4, residues 612-632): QWSHNFRPCY[Leu622Val]RVCKVLRERM